The following is an entry in ClinVar:

NM_000521.4(HEXB):c.973_1010del (p.Thr325fs)

Gene: HEXB (hexosaminidase subunit beta; plus strand). Cytogenetic location: 5q13.3.
Variant type: Deletion.
Coding change: c.973_1010del on transcript NM_000521.4 (MANE Select); coding-DNA positions 973 to 1010, 38 bases deleted.
Protein change: p.Thr325fs; shifts the reading frame from threonine 325.
Molecular consequence: frameshift variant.
Genome position (GRCh38, 1-based): chr5:74,715,581-74,715,618, 38 bases deleted; deleting any 38 consecutive bases within chr5:74,715,580-74,715,618 gives the same sequence; the c. name uses the placement nearest the transcript's 3' end. GRCh37 (hg19): chr5:74,011,406-74,011,443.
Other names: c.298_335del, p.Thr100fs (NM_001292004.2); short protein forms T100fs, T325fs.
Identifiers: ClinVar variation 2751174 (VCV002751174.3), dbSNP rs2478757152, ClinGen allele CA2697547210.

ClinVar aggregate classification (germline): Pathogenic (1 of 4 stars; one submission).

Conditions:
Sandhoff disease. Also called: Beta-hexosaminidase-beta-subunit deficiency; GM2 gangliosidosis, type 2; Total hexosaminidase deficiency; Sandhoff-Jatzkewitz-Pilz disease; GM2-GANGLIOSIDOSIS, TYPE II; HEXOSAMINIDASES A AND B DEFICIENCY. Identifiers: Orphanet 796, MedGen C0036161, MONDO:0010006, OMIM 268800.

Submission:

Labcorp Genetics (formerly Invitae), Labcorp
Classification: Pathogenic for Sandhoff disease. Last evaluated: 2023-08-08. Review status: criteria provided, single submitter. Criteria: Invitae Variant Classification Sherloc (09022015). Collection method: clinical testing. Allele origin: germline.
Comment: For these reasons, this variant has been classified as Pathogenic. This variant has not been reported in the literature in individuals affected with HEXB-related conditions. This variant is not present in population databases (gnomAD no frequency). This sequence change creates a premature translational stop signal (p.Thr325Glnfs*4) in the HEXB gene. It is expected to result in an absent or disrupted protein product. Loss-of-function variants in HEXB are known to be pathogenic (PMID: 7550345, 18758829).

Literature cited by the submitters: PubMed 7550345; PubMed 18758829.